The following is an entry in ClinVar:

ClinVar aggregate classification (germline): Pathogenic/Likely pathogenic. Review status: criteria provided, multiple submitters, no conflicts (2 of 4 stars). 3 submissions from 3 submitters: Pathogenic (1); Likely pathogenic (1). 1 of the submissions does not count toward it. Last evaluated 2021-08-01.

Conditions:
Charcot-Marie-Tooth disease. Also called: Charcot-Marie-Tooth Hereditary Neuropathy; Charcot-Marie-Tooth Neuropathy. Identifiers: Orphanet 166, MedGen C0007959, MONDO:0015626.
Charcot-Marie-Tooth disease type 2. Also called: Charcot-Marie-Tooth type 2. Identifiers: Orphanet 64746, MedGen C0270914, MONDO:0018993.

Submissions (3):

CeGaT Center for Human Genetics Tuebingen
Classification: Pathogenic. Last evaluated: 2021-08-01. Review status: criteria provided, single submitter. Criteria: CeGaT Center For Human Genetics Tuebingen Variant Classification Criteria Version 2. Collection method: clinical testing. Allele origin: germline. Affected: yes. Observed: 1 variant allele.

Labcorp Genetics (formerly Invitae), Labcorp
Classification: Likely pathogenic for Charcot-Marie-Tooth disease type 2. Last evaluated: 2019-11-07. Review status: criteria provided, single submitter. Criteria: Invitae Variant Classification Sherloc (09022015). Collection method: clinical testing. Allele origin: germline.
Comment: This sequence change replaces serine with phenylalanine at codon 231 of the MFN2 protein (p.Ser231Phe). The serine residue is highly conserved and there is a large physicochemical difference between serine and phenylalanine. This variant is not present in population databases (ExAC no frequency). This variant has been observed in individual(s) with Charcot-Marie-Tooth disease (PMID: 24444136). In at least one individual the variant was observed to be de novo. ClinVar contains an entry for this variant (Variation ID: 637741). Algorithms developed to predict the effect of missense changes on protein structure and function (SIFT, PolyPhen-2, Align-GVGD) all suggest that this variant is likely to be disruptive, but these predictions have not been confirmed by published functional studies and their clinical significance is uncertain. In summary, the currently available evidence indicates that the variant is pathogenic, but additional data are needed to prove that conclusively. Therefore, this variant has been classified as Likely Pathogenic.

Inherited Neuropathy Consortium
Classification: Uncertain significance for Charcot-Marie-Tooth disease. Review status: no assertion criteria provided. Collection method: literature only. Allele origin: germline. Affected: yes. Not counted in ClinVar's aggregate classification.

Literature cited by the submitters: PubMed 24444136 (cited by Labcorp Genetics (formerly Invitae), Labcorp); PubMed 24053775 (cited by Inherited Neuropathy Consortium).

NM_014874.4(MFN2):c.692C>T (p.Ser231Phe)

Gene: MFN2 (mitofusin 2; plus strand). Cytogenetic location: 1p36.22.
Variant type: single nucleotide variant.
Coding change: c.692C>T on transcript NM_014874.4 (MANE Select); coding-DNA position 692, C replaced by T.
Protein change: p.Ser231Phe; replaces serine 231 with phenylalanine.
Molecular consequence: missense variant.
Genome position (GRCh38, 1-based): chr1:11,998,862, C>T. VCF-style: chr1-11998862-C-T. GRCh37 (hg19) VCF-style: chr1-12058919-C-T.
Other names: c.692C>T, p.Ser231Phe (NM_001127660.2); short protein forms S231F.
Identifiers: ClinVar variation 637741 (VCV000637741.44), dbSNP rs1569842714, ClinGen allele CA338438518.